The following is an entry in ClinVar:

ClinVar aggregate classification (germline): Uncertain significance (1 of 4 stars; one submission).

Allele frequency attached by ClinVar (database versions not stated): gnomAD exomes 0.00001; TOPMed 0.00001.
gnomAD v4.1: 5 of 1,119,670 alleles (0.00045%); highest among the groups gnomAD compares: Non-Finnish European, 0.00059%; no homozygotes.

Submission:

Labcorp Genetics (formerly Invitae), Labcorp
Classification: Uncertain significance. Last evaluated: 2023-10-20. Review status: criteria provided, single submitter. Criteria: Invitae Variant Classification Sherloc (09022015). Collection method: clinical testing. Allele origin: germline.
Comment: This sequence change replaces threonine, which is neutral and polar, with isoleucine, which is neutral and non-polar, at codon 8 of the GPR143 protein (p.Thr8Ile). This variant is not present in population databases (gnomAD no frequency). This variant has not been reported in the literature in individuals affected with GPR143-related conditions. Algorithms developed to predict the effect of missense changes on protein structure and function output the following: SIFT: "Not Available"; PolyPhen-2: "Possibly Damaging"; Align-GVGD: "Not Available". The isoleucine amino acid residue is found in multiple mammalian species, which suggests that this missense change does not adversely affect protein function. In summary, the available evidence is currently insufficient to determine the role of this variant in disease. Therefore, it has been classified as a Variant of Uncertain Significance.

NM_000273.3(GPR143):c.23C>T (p.Thr8Ile)

Gene: GPR143 (G protein-coupled receptor 143; minus strand). Cytogenetic location: Xp22.2.
Variant type: single nucleotide variant.
Coding change: c.23C>T on transcript NM_000273.3 (MANE Select); coding-DNA position 23, C replaced by T.
Protein change: p.Thr8Ile; replaces threonine 8 with isoleucine.
Molecular consequence: missense variant.
Genome position (GRCh38, 1-based): chrX:9,765,795, G>A on the plus strand (C>T on the coding strand, the complement: GPR143 is on the minus strand). VCF-style: chrX-9765795-G-A. GRCh37 (hg19) VCF-style: chrX-9733835-G-A.
Other names: short protein forms T8I.
Identifiers: ClinVar variation 2813937 (VCV002813937.3), dbSNP rs755646295, ClinGen allele CA412001024.
Genomic context (GRCh38, chrX:9,765,795, plus strand): 5'-GCCCGCGGCTGGAAGCTCAGCACGAGCTGCGTGGCTGCGTCCCGCGTGGGGCAGCAGAAG[G>A]TCCCTAGGCGCGGGGAGGCCATGGGCTGTGTTCGCGGACGCGGCTCGGGTGTGCCAGGAC-3'
Protein context (NP_000264.2, residues 1-18): MASPRLG[Thr8Ile]FCCPTRDAAT